The following is an entry in ClinVar:

NM_000321.3(RB1):c.2049T>C (p.Leu683=)

Gene: RB1 (RB transcriptional corepressor 1; plus strand). Cytogenetic location: 13q14.2.
Variant type: single nucleotide variant.
Coding change: c.2049T>C on transcript NM_000321.3 (MANE Select); coding-DNA position 2049, T replaced by C.
Protein change: p.Leu683=; no amino-acid change (leucine 683 retained).
Molecular consequence: synonymous variant.
Genome position (GRCh38, 1-based): chr13:48,459,776, T>C. VCF-style: chr13-48459776-T-C. GRCh37 (hg19) VCF-style: chr13-49033912-T-C.
Identifiers: ClinVar variation 697602 (VCV000697602.16), dbSNP rs1048847950, ClinGen allele CA249308185.

ClinVar aggregate classification (germline): Benign/Likely benign. Review status: criteria provided, multiple submitters, no conflicts (2 of 4 stars). 4 submissions from 4 submitters: Benign (1); Likely benign (3). Last evaluated 2026-06-25.

Conditions:
Hereditary cancer-predisposing syndrome. Also called: Hereditary Cancer Syndrome; Hereditary neoplastic syndrome; Neoplastic Syndromes, Hereditary; Tumor predisposition. Identifiers: Orphanet 140162, MedGen C0027672, MeSH D009386, MONDO:0015356.
Retinoblastoma (RB1). Also called: RETINOBLASTOMA, SOMATIC. Identifiers: Orphanet 790, MedGen C0035335, MeSH D012175, MONDO:0008380, OMIM 180200, HP:0009919. Disease mechanism: loss of function. Inheritance: Both sporadic and heritable forms are tested..

Allele frequency attached by ClinVar (database versions not stated): gnomAD exomes below 0.00001; gnomAD 0.00001; TOPMed below 0.00001.
gnomAD v4.1: 6 of 1,613,858 alleles (0.00037%); highest among the groups gnomAD compares: African/African-American, 0.0027%; no homozygotes.

Submissions (4):

Myriad Genetics, Inc.
Classification: Benign for Retinoblastoma. Last evaluated: 2026-06-25. Review status: criteria provided, single submitter. Criteria: Myriad Autosomal Dominant, Autosomal Recessive and X-Linked Classification Criteria (2023). Collection method: clinical testing. Allele origin: unknown.
Comment: This variant is considered benign. This variant is a silent/synonymous amino acid change and it is not expected to impact splicing.

Labcorp Genetics (formerly Invitae), Labcorp
Classification: Likely benign for Retinoblastoma. Last evaluated: 2025-04-10. Review status: criteria provided, single submitter. Criteria: Invitae Variant Classification Sherloc (09022015). Collection method: clinical testing. Allele origin: germline.

Color Diagnostics, LLC DBA Color Health
Classification: Likely benign for Retinoblastoma. Last evaluated: 2022-05-02. Review status: criteria provided, single submitter. Criteria: ACMG Guidelines, 2015. Collection method: clinical testing. Allele origin: germline.

Ambry Genetics
Classification: Likely benign for Hereditary cancer-predisposing syndrome. Last evaluated: 2019-09-19. Review status: criteria provided, single submitter. Criteria: Ambry Variant Classification Scheme 2023. Collection method: clinical testing. Allele origin: germline.